The following is an entry in ClinVar:

NM_020778.5(ALPK3):c.1051G>A (p.Glu351Lys)

Gene: ALPK3 (alpha kinase 3; plus strand). Cytogenetic location: 15q25.3.
Variant type: single nucleotide variant.
Coding change: c.1051G>A on transcript NM_020778.5 (MANE Select); coding-DNA position 1051, G replaced by A.
Protein change: p.Glu351Lys; replaces glutamic acid 351 with lysine.
Molecular consequence: missense variant.
Genome position (GRCh38, 1-based): chr15:84,840,330, G>A. VCF-style: chr15-84840330-G-A. GRCh37 (hg19) VCF-style: chr15-85383561-G-A.
Other names: c.1657G>A (NM_020778.4); short protein forms E351K.
Identifiers: ClinVar variation 2504466 (VCV002504466.4), dbSNP rs374922996, ClinGen allele CA7709113.
Genomic context (GRCh38, chr15:84,840,330, plus strand): 5'-GAGTTAGAGAAGGCAGCCCAAAGCCGCCGTTCTTCAGAAAACTGCATCCCCAGCTCAGAC[G>A]AGCCTGACTCCTGTGGGACTCAGGGGCCCGTGGGCGTGGAGCAGGTTCAGACCCAGCCCA-3'
Protein context (NP_065829.4, residues 341-361): SSENCIPSSD[Glu351Lys]PDSCGTQGPV

ClinVar aggregate classification (germline): Conflicting classifications of pathogenicity. Review status: criteria provided, conflicting classifications (1 of 4 stars). 3 submissions from 3 submitters: Uncertain significance (2); Likely benign (1). Last evaluated 2026-08-23.

Conditions:
Cardiovascular phenotype. Identifiers: MedGen CN230736.

Allele frequency attached by ClinVar (database versions not stated): ESP Exome Variant Server 0.00008; gnomAD exomes below 0.00001; ExAC 0.00001.
gnomAD v4.1: 3 of 1,613,974 alleles (0.00019%); highest among the groups gnomAD compares: Non-Finnish European, 0.00017%; no homozygotes.

Submissions (3):

Ambry Genetics
Classification: Likely benign for Cardiovascular phenotype. Last evaluated: 2026-08-23. Review status: criteria provided, single submitter. Criteria: Ambry Variant Classification Scheme 2023. Collection method: clinical testing. Allele origin: germline.

Labcorp Genetics (formerly Invitae), Labcorp
Classification: Uncertain significance. Last evaluated: 2025-12-24. Review status: criteria provided, single submitter. Criteria: Invitae Variant Classification Sherloc (09022015). Collection method: clinical testing. Allele origin: germline.
Comment: This sequence change replaces glutamic acid, which is acidic and polar, with lysine, which is basic and polar, at codon 553 of the ALPK3 protein (p.Glu553Lys). This variant is present in population databases (rs374922996, gnomAD 0.0009%). This variant has not been reported in the literature in individuals affected with ALPK3-related conditions. ClinVar contains an entry for this variant (Variation ID: 2504466). An algorithm developed to predict the effect of missense changes on protein structure and function outputs the following: PolyPhen-2: "Benign". The lysine amino acid residue is found in multiple mammalian species, which suggests that this missense change does not adversely affect protein function. In summary, the available evidence is currently insufficient to determine the role of this variant in disease. Therefore, it has been classified as a Variant of Uncertain Significance.

GeneDx
Classification: Uncertain significance. Last evaluated: 2022-11-30. Review status: criteria provided, single submitter. Criteria: GeneDx Variant Classification Process June 2021. Collection method: clinical testing. Allele origin: germline. Affected: yes.
Comment: Not observed at significant frequency in large population cohorts (gnomAD); In silico analysis supports that this missense variant does not alter protein structure/function; Has not been previously published as pathogenic or benign to our knowledge